The following is an entry in ClinVar:

NM_004113.6(FGF12):c.455A>C (p.His152Pro)

Gene: FGF12 (fibroblast growth factor 12; minus strand). Cytogenetic location: 3q28.
Variant type: single nucleotide variant.
Coding change: c.455A>C on transcript NM_004113.6 (MANE Select); coding-DNA position 455, A replaced by C.
Protein change: p.His152Pro; replaces histidine 152 with proline.
Molecular consequence: missense variant.
Genome position (GRCh38, 1-based): chr3:192,144,100, T>G on the plus strand (A>C on the coding strand, the complement: FGF12 is on the minus strand). VCF-style: chr3-192144100-T-G. GRCh37 (hg19) VCF-style: chr3-191861889-T-G.
Other names: c.344A>C, p.His115Pro (NM_001377292.1); c.383A>C, p.His128Pro (NM_001377293.1, NM_001377294.1); c.641A>C, p.His214Pro (NM_021032.5); short protein forms H115P, H128P, H152P, H214P.
Identifiers: ClinVar variation 2823869 (VCV002823869.3), dbSNP rs769374802, ClinGen allele CA355865757.

ClinVar aggregate classification (germline): Uncertain significance (1 of 4 stars; one submission).

gnomAD v4.1: 1 of 1,613,480 alleles (0.000062%); highest among the groups gnomAD compares: Non-Finnish European, 0.000085%; no homozygotes.

Submission:

Labcorp Genetics (formerly Invitae), Labcorp
Classification: Uncertain significance. Last evaluated: 2024-06-17. Review status: criteria provided, single submitter. Criteria: Invitae Variant Classification Sherloc (09022015). Collection method: clinical testing. Allele origin: germline.
Comment: This sequence change replaces histidine, which is basic and polar, with proline, which is neutral and non-polar, at codon 214 of the FGF12 protein (p.His214Pro). This variant is not present in population databases (gnomAD no frequency). This variant has not been reported in the literature in individuals affected with FGF12-related conditions. Advanced modeling of protein sequence and biophysical properties (such as structural, functional, and spatial information, amino acid conservation, physicochemical variation, residue mobility, and thermodynamic stability) has been performed at Invitae for this missense variant, however the output from this modeling did not meet the statistical confidence thresholds required to predict the impact of this variant on FGF12 protein function. In summary, the available evidence is currently insufficient to determine the role of this variant in disease. Therefore, it has been classified as a Variant of Uncertain Significance.